The following is an entry in ClinVar:

NM_001128227.3(GNE):c.43G>C (p.Gly15Arg)

Gene: GNE (glucosamine (UDP-N-acetyl)-2-epimerase/N-acetylmannosamine kinase; minus strand). Cytogenetic location: 9p13.3.
Variant type: single nucleotide variant.
Coding change: c.43G>C on transcript NM_001128227.3 (MANE Plus Clinical); coding-DNA position 43, G replaced by C.
Protein change: p.Gly15Arg; replaces glycine 15 with arginine.
Molecular consequence: missense variant. On other transcripts: 5 prime UTR variant (1).
Genome position (GRCh38, 1-based): chr9:36,276,902, C>G on the plus strand (G>C on the coding strand, the complement: GNE is on the minus strand). VCF-style: chr9-36276902-C-G. GRCh37 (hg19) VCF-style: chr9-36276899-C-G.
Other names: c.-22G>C (NM_001190388.2); short protein forms G15R.
Identifiers: ClinVar variation 290087 (VCV000290087.13), dbSNP rs762425552, ClinGen allele CA5056829.
Genomic context (GRCh38, chr9:36,276,902, plus strand): 5'-TTTCTGATTGCAATTTCAATAATAAAGCTCTATTGAATTCCGAATTACTTACATGAGGTC[C>G]TTGAAAGCATGACTCCCTCTGCAGATAACCATAGGTTTCCATCCCGAAGCACGAGCTCTG-3'
Protein context (NP_001121699.1, residues 5-25): GYLQRESCFQ[Gly15Arg]PHELYFKNLS

ClinVar aggregate classification (germline): Uncertain significance. Review status: criteria provided, multiple submitters, no conflicts (2 of 4 stars). 4 submissions from 4 submitters: Uncertain significance (3). 1 of the submissions does not count toward it. Last evaluated 2024-07-30.

Conditions:
GNE myopathy (NM). Also called: MYOPATHY, DISTAL, WITH OR WITHOUT RIMMED VACUOLES; NONAKA DISTAL MYOPATHY; IBM 2; Inclusion body myopathy autosomal recessive; Inclusion body myopathy quadriceps sparing; INCLUSION BODY MYOPATHY, HEREDITARY, AUTOSOMAL RECESSIVE. Identifiers: Orphanet 602, MedGen C1853926, MONDO:0011603, OMIM 605820.
Sialuria. Also called: SIALURIA, FRENCH TYPE; Sialic Acid Storage Disease. Identifiers: Orphanet 3166, MedGen C0342853, MONDO:0010028, OMIM 269921.

Allele frequency attached by ClinVar (database versions not stated): gnomAD 0.00003 and 0.00002; gnomAD exomes below 0.00001 and 0.00002; TOPMed 0.00002; ExAC 0.00003.
gnomAD v4.1: 8 of 1,611,176 alleles (0.0005%); highest among the groups gnomAD compares: African/African-American, 0.008%; no homozygotes.

Submissions (4):

Women's Health and Genetics/Laboratory Corporation of America, LabCorp
Classification: Uncertain significance. Last evaluated: 2024-07-30. Review status: criteria provided, single submitter. Criteria: LabCorp Variant Classification Summary - May 2015. Collection method: clinical testing. Allele origin: germline.
Comment: Variant summary: GNE c.43G>C (p.Gly15Arg) results in a non-conservative amino acid change in the encoded protein sequence. Four of five in-silico tools predict a damaging effect of the variant on protein function. The variant allele was found at a frequency of 1.6e-05 in 247436 control chromosomes. The available data on variant occurrences in the general population are insufficient to allow any conclusion about variant significance. To our knowledge, no occurrence of c.43G>C in individuals affected with Inclusion Body Myopathy 2 and no experimental evidence demonstrating its impact on protein function have been reported. ClinVar contains an entry for this variant (Variation ID: 290087). Based on the evidence outlined above, the variant was classified as uncertain significance.

Labcorp Genetics (formerly Invitae), Labcorp
Classification: Uncertain significance for Sialuria; GNE myopathy. Last evaluated: 2022-08-31. Review status: criteria provided, single submitter. Criteria: Invitae Variant Classification Sherloc (09022015). Collection method: clinical testing. Allele origin: germline.
Comment: This sequence change replaces glycine, which is neutral and non-polar, with arginine, which is basic and polar, at codon 15 of the GNE protein (p.Gly15Arg). This variant is present in population databases (rs762425552, gnomAD 0.02%). This variant has not been reported in the literature in individuals affected with GNE-related conditions. ClinVar contains an entry for this variant (Variation ID: 290087). Algorithms developed to predict the effect of missense changes on protein structure and function are either unavailable or do not agree on the potential impact of this missense change (SIFT: "Deleterious"; PolyPhen-2: "Benign"; Align-GVGD: "Class C0"). In summary, the available evidence is currently insufficient to determine the role of this variant in disease. Therefore, it has been classified as a Variant of Uncertain Significance.

Eurofins Ntd Llc (ga)
Classification: Uncertain significance. Last evaluated: 2016-08-22. Review status: criteria provided, single submitter. Criteria: EGL Classification Definitions 2015. Collection method: clinical testing. Allele origin: germline. Observed: 1 variant allele, 1 heterozygote.

Natera, Inc.
Classification: Uncertain significance for Nonaka myopathy. Last evaluated: 2019-10-28. Review status: no assertion criteria provided. Collection method: clinical testing. Allele origin: germline. Not counted in ClinVar's aggregate classification.